The following is an entry in ClinVar:

ClinVar aggregate classification (germline): Benign/Likely benign. Review status: criteria provided, multiple submitters, no conflicts (2 of 4 stars). 21 submissions from 21 submitters: Benign (12); Likely benign (6). 3 of the submissions do not count toward it. Last evaluated 2026-02-04.

Conditions:
STK11-related disorder. Also called: STK11-related condition.
Breast and/or ovarian cancer. Identifiers: MedGen CN221562.
Hereditary cancer-predisposing syndrome. Also called: Tumor predisposition; Hereditary neoplastic syndrome; Hereditary Cancer Syndrome; Neoplastic Syndromes, Hereditary. Identifiers: Orphanet 140162, MedGen C0027672, MeSH D009386, MONDO:0015356.
Peutz-Jeghers syndrome (PJS). Also called: Peutz-Jeghers polyposis; Periorificial lentiginosis syndrome; POLYPOSIS, HAMARTOMATOUS INTESTINAL; POLYPS-AND-SPOTS SYNDROME. Identifiers: Orphanet 2869, MedGen C0031269, MeSH D010580, MONDO:0008280, OMIM 175200.
Malignant tumor of breast. Also called: Cancer breast; Malignant breast neoplasm. Identifiers: MedGen C0006142, MONDO:0007254. Disease mechanism: loss of function.

Allele frequency attached by ClinVar (database versions not stated): gnomAD exomes 0.00018 and 0.00058; ExAC 0.00105; ESP Exome Variant Server 0.00179; gnomAD 0.00196 and 0.00208; TOPMed 0.00218; 1000 Genomes Project 0.00240; 1000 Genomes Project 30x 0.00265.
gnomAD v4.1: 551 of 1,554,658 alleles (0.035%); highest among the groups gnomAD compares: African/African-American, 0.63%; 3 homozygotes.

Submissions (21):

Labcorp Genetics (formerly Invitae), Labcorp
Classification: Benign for Peutz-Jeghers syndrome. Last evaluated: 2026-02-04. Review status: criteria provided, single submitter. Criteria: Invitae Variant Classification Sherloc (09022015). Collection method: clinical testing. Allele origin: germline.

Dasa
Classification: Benign. Last evaluated: 2025-12-18. Review status: criteria provided, single submitter. Criteria: DASA Assertion Criteria. Collection method: clinical testing. Allele origin: germline.
Comment: NM_000455.5(STK11):c.464+9G>A is a splice-region variant. Population frequency is inconsistent with a disease-causing role for this variant, and observations in unaffected individuals support a benign interpretation. Computational prediction algorithms are consistent with a benign effect. Therefore, based on the currently available evidence, this variant is classified as benign.

CeGaT Center for Human Genetics Tuebingen
Classification: Benign. Last evaluated: 2025-08-01. Review status: criteria provided, single submitter. Criteria: CeGaT Center For Human Genetics Tuebingen Variant Classification Criteria Version 2. Collection method: clinical testing. Allele origin: germline. Affected: yes. Observed: 2 variant alleles.
Comment: STK11: BS1, BS2

ARUP Laboratories, Molecular Genetics and Genomics, ARUP Laboratories
Classification: Benign. Last evaluated: 2025-07-17. Review status: criteria provided, single submitter. Criteria: ARUP Molecular Germline Variant Investigation Process 2024. Collection method: clinical testing. Allele origin: germline.

Myriad Genetics, Inc.
Classification: Benign for Peutz-Jeghers syndrome. Last evaluated: 2025-03-26. Review status: criteria provided, single submitter. Criteria: Myriad Autosomal Dominant, Autosomal Recessive and X-Linked Classification Criteria (2023). Collection method: clinical testing. Allele origin: unknown.
Comment: This variant is considered benign. This variant is intronic and is not expected to impact mRNA splicing. Homozygosity has been confirmed in one or more individuals. As homozygosity for pathogenic variants in this gene is generally assumed to result in embryonic lethality, this variant is unlikely to be pathogenic.

Blueprint Genetics
Classification: Likely benign. Last evaluated: 2024-05-28. Review status: criteria provided, single submitter. Criteria: ACMG Guidelines, 2015. Collection method: clinical testing. Allele origin: germline.

KCCC/NGS Laboratory, Kuwait Cancer Control Center
Classification: Benign for Peutz-Jeghers syndrome. Last evaluated: 2023-07-07. Review status: criteria provided, single submitter. Criteria: ACMG Guidelines, 2015. Collection method: clinical testing. Allele origin: germline. Affected: yes.

CHEO Genetics Diagnostic Laboratory, Children's Hospital of Eastern Ontario
Classification: Likely benign for Breast and/or ovarian cancer. Last evaluated: 2022-09-26. Review status: criteria provided, single submitter. Criteria: ACMG Guidelines, 2015. Collection method: clinical testing. Allele origin: germline.

Quest Diagnostics Nichols Institute San Juan Capistrano
Classification: Benign. Last evaluated: 2022-02-19. Review status: criteria provided, single submitter. Criteria: Quest Diagnostics criteria. Collection method: clinical testing. Allele origin: unknown.

Genome-Nilou Lab
Classification: Likely benign for Peutz-Jeghers syndrome. Last evaluated: 2021-07-15. Review status: criteria provided, single submitter. Criteria: ACMG Guidelines, 2015. Collection method: clinical testing. Allele origin: germline. Affected: no.

Sema4
Classification: Benign for Hereditary cancer-predisposing syndrome. Last evaluated: 2020-10-22. Review status: criteria provided, single submitter. Criteria: Sema4 Curation Guidelines. Collection method: curation. Allele origin: germline.

Eurofins Ntd Llc (ga)
Classification: Likely benign. Last evaluated: 2018-03-12. Review status: criteria provided, single submitter. Criteria: EGL ClinVar v180209 classification definitions. Collection method: clinical testing. Allele origin: germline. Observed: 1 variant allele, 1 heterozygote.

Illumina Laboratory Services, Illumina
Classification: Benign for Peutz-Jeghers syndrome. Last evaluated: 2018-01-12. Review status: criteria provided, single submitter. Criteria: ICSL Variant Classification Criteria 13 December 2019. Collection method: clinical testing. Allele origin: germline.
Comment: This variant was observed in the ICSL laboratory as part of a predisposition screen in an ostensibly healthy population. It had not been previously curated by ICSL or reported in the Human Gene Mutation Database (HGMD: prior to June 1st, 2018), and was therefore a candidate for classification through an automated scoring system. Utilizing variant allele frequency, disease prevalence and penetrance estimates, and inheritance mode, an automated score was calculated to assess if this variant is too frequent to cause the disease. Based on the score and internal cut-off values, a variant classified as benign is not then subjected to further curation. The score for this variant resulted in a classification of benign for this disease.

Institute for Biomarker Research, Medical Diagnostic Laboratories, L.L.C.
Classification: Likely benign for Hereditary cancer-predisposing syndrome. Last evaluated: 2017-02-14. Review status: criteria provided, single submitter. Criteria: ACMG Guidelines, 2015. Collection method: clinical testing. Allele origin: germline.

Women's Health and Genetics/Laboratory Corporation of America, LabCorp
Classification: Benign. Last evaluated: 2016-05-03. Review status: criteria provided, single submitter. Criteria: LabCorp Variant Classification Summary - May 2015. Collection method: clinical testing. Allele origin: germline.
Comment: Variant summary: The STK11 c.464+9G>A variant affects a non-conserved intronic nucleotide not widely known to affect splicing. Mutation Taster predicts a benign outcome for this variant, and 4/5 Alamut algorithms predict no significant change to splicing. This variant was found in 39/36972 control chromosomes at a frequency of 0.0010549, which is about 190 times the maximal expected frequency of a pathogenic STK11 allele (0.0000056), suggesting this variant is benign. In addition, several clinical laboratories classified this variant as benign/likely benign. The variant of interest has not, to our knowledge, been reported in affected individuals via publications and/or reputable databases/clinical laboratories; nor evaluated for functional impact by in vivo/vitro studies. Taken together, this variant was classified as benign.

Color Diagnostics, LLC DBA Color Health
Classification: Benign for Hereditary cancer-predisposing syndrome. Last evaluated: 2015-09-22. Review status: criteria provided, single submitter. Criteria: ACMG Guidelines, 2015. Collection method: clinical testing. Allele origin: germline.

GeneDx
Classification: Benign. Last evaluated: 2014-03-26. Review status: criteria provided, single submitter. Criteria: GeneDx Variant Classification (06012015). Collection method: clinical testing. Allele origin: germline. Affected: yes.
Comment: This variant is considered likely benign or benign based on one or more of the following criteria: it is a conservative change, it occurs at a poorly conserved position in the protein, it is predicted to be benign by multiple in silico algorithms, and/or has population frequency not consistent with disease.

Ambry Genetics
Classification: Likely benign for Hereditary cancer-predisposing syndrome. Last evaluated: 2013-08-08. Review status: criteria provided, single submitter. Criteria: Ambry Autosomal Dominant and X-Linked criteria (10/2015). Collection method: clinical testing. Allele origin: germline. Observed: 1 variant allele.

PreventionGenetics, part of Exact Sciences
Classification: Benign for STK11-related condition. Last evaluated: 2019-11-19. Review status: no assertion criteria provided. Collection method: clinical testing. Allele origin: germline. Not counted in ClinVar's aggregate classification.
Comment: This variant is classified as benign based on ACMG/AMP sequence variant interpretation guidelines (Richards et al. 2015 PMID: 25741868, with internal and published modifications).

Department of Pathology and Laboratory Medicine, Sinai Health System
Classification: Likely benign for Malignant tumor of breast. Review status: no assertion criteria provided. Collection method: clinical testing. Allele origin: unknown. Affected: yes. Study: The Canadian Open Genetics Repository (COGR). Not counted in ClinVar's aggregate classification.
Comment: The STK11 c.464+9G>A variant was not identified in the literature. The variant was identified in dbSNP (ID: rs376313955) as "With other allele", in ClinVar (5x Benign by Invitae, GeneDx and three other submitters, 5x likely benign by Ambry Genetics and four other submitters), and in LOVD 3.0 (classified as likely benign). The variant was identified in control databases in 165 of 203546 chromosomes at a frequency of 0.0008, increasing the likelihood this could be a low frequency benign variant (Genome Aggregation Database Feb 27, 2017). The variant was observed in the following populations: African in 132 of 18030 chromosomes (freq: 0.007), Other in 4 of 5186 chromosomes (freq: 0.0008), Latino in 26 of 27178 chromosomes (freq: 0.001), European in 2 of 87470 chromosomes (freq: 0.00002) and East Asian in 1 of 13646 chromosomes (freq: 0.00007); it was not observed in the Ashkenazi Jewish, Finnish, and South Asian populations. The variant occurs outside of the splicing consensus sequence and in silico or computational prediction software programs (SpliceSiteFinder, MaxEntScan, NNSPLICE, GeneSplicer) do not predict a difference in splicing. However, this information is not predictive enough to assume pathogenicity. In summary, based on the above information, the clinical significance of this variant cannot be determined with certainty at this time although we would lean towards a more benign role for this variant. This variant is classified as likely benign.

Mayo Clinic Laboratories, Mayo Clinic
Classification: Benign. Review status: no assertion criteria provided. Collection method: clinical testing. Allele origin: unknown. Not counted in ClinVar's aggregate classification.

NM_000455.5(STK11):c.464+9G>A

Gene: STK11 (serine/threonine kinase 11; plus strand). Cytogenetic location: 19p13.3.
Variant type: single nucleotide variant.
Coding change: c.464+9G>A on transcript NM_000455.5 (MANE Select); 9 bases into the intron after coding-DNA position 464, G replaced by A.
Molecular consequence: intron variant.
Genome position (GRCh38, 1-based): chr19:1,219,422, G>A. VCF-style: chr19-1219422-G-A. GRCh37 (hg19) VCF-style: chr19-1219421-G-A.
Identifiers: ClinVar variation 139331 (VCV000139331.64), dbSNP rs376313955, ClinGen allele CA023021.